The following is an entry in ClinVar:

NM_000094.4(COL7A1):c.4483-11T>C

Gene: COL7A1 (collagen type VII alpha 1 chain; minus strand). Cytogenetic location: 3p21.31.
Variant type: single nucleotide variant.
Coding change: c.4483-11T>C on transcript NM_000094.4 (MANE Select); 11 bases into the intron before coding-DNA position 4483, T replaced by C.
Molecular consequence: intron variant.
Genome position (GRCh38, 1-based): chr3:48,583,059, A>G on the plus strand (T>C on the coding strand, the complement: COL7A1 is on the minus strand). VCF-style: chr3-48583059-A-G. GRCh37 (hg19) VCF-style: chr3-48620492-A-G.
Identifiers: ClinVar variation 255110 (VCV000255110.22), dbSNP rs74390291, ClinGen allele CA2379995.

ClinVar aggregate classification (germline): Benign. Review status: criteria provided, multiple submitters, no conflicts (2 of 4 stars). 7 submissions from 7 submitters: Benign (5). 2 of the submissions do not count toward it. Last evaluated 2026-02-01.

Conditions:
Epidermolysis bullosa dystrophica. Also called: Dystrophic epidermolysis bullosa, Hallopeau-Siemens type (formerly); Dystrophic epidermolysis bullosa. Identifiers: Orphanet 303, MedGen C0079294, MONDO:0006543.

Allele frequency attached by ClinVar (database versions not stated): 1000 Genomes Project 0.00399; 1000 Genomes Project 30x 0.00406; TOPMed 0.00666; ExAC 0.00738; gnomAD exomes 0.00768 and 0.01129; gnomAD 0.00777 and 0.00781; ESP Exome Variant Server 0.00900.
gnomAD v4.1: 17,676 of 1,613,966 alleles (1.1%); highest among the groups gnomAD compares: Non-Finnish European, 1.3%; 115 homozygotes.

Submissions (10):

Labcorp Genetics (formerly Invitae), Labcorp
Classification: Benign. Last evaluated: 2026-02-01. Review status: criteria provided, single submitter. Criteria: Invitae Variant Classification Sherloc (09022015). Collection method: clinical testing. Allele origin: germline.

GeneDx
Classification: Benign. Last evaluated: 2020-09-29. Review status: criteria provided, single submitter. Criteria: GeneDx Variant Classification Process June 2021. Collection method: clinical testing. Allele origin: germline. Affected: yes.

Illumina Laboratory Services, Illumina
Classification: Benign for Dystrophic epidermolysis bullosa. Last evaluated: 2018-01-13. Review status: criteria provided, single submitter. Criteria: ICSL Variant Classification Criteria 13 December 2019. Collection method: clinical testing. Allele origin: germline.
Comment: This variant was observed in the ICSL laboratory as part of a predisposition screen in an ostensibly healthy population. It had not been previously curated by ICSL or reported in the Human Gene Mutation Database (HGMD: prior to June 1st, 2018), and was therefore a candidate for classification through an automated scoring system. Utilizing variant allele frequency, disease prevalence and penetrance estimates, and inheritance mode, an automated score was calculated to assess if this variant is too frequent to cause the disease. Based on the score and internal cut-off values, a variant classified as benign is not then subjected to further curation. The score for this variant resulted in a classification of benign for this disease.

Breakthrough Genomics
Classification: Benign. Review status: criteria provided, single submitter. Criteria: ACMG Guidelines, 2015. Collection method: not provided. Allele origin: germline. Inheritance: Autosomal recessive inheritance. Affected: yes.

PreventionGenetics, part of Exact Sciences
Classification: Benign. Review status: criteria provided, single submitter. Criteria: ACMG Guidelines, 2015. Collection method: clinical testing. Allele origin: germline.

Diagnostic Laboratory, Department of Genetics, University Medical Center Groningen
Classification: Benign. Review status: no assertion criteria provided. Collection method: clinical testing. Allele origin: germline. Affected: yes. Study: VKGL Data-share Consensus. Not counted in ClinVar's aggregate classification.

Dr. Peter K. Rogan Lab, Western University
No classification provided (evidence only). Condition: Cervical cancer. Review status: no classification provided. Collection method: in vitro. Allele origin: not applicable. Functional consequence: retained intron. Not counted in ClinVar's aggregate classification.

Dr. Peter K. Rogan Lab, Western University
No classification provided (evidence only). Condition: Cervical cancer. Review status: no classification provided. Collection method: in vitro. Allele origin: not applicable. Functional consequence: retained intron. Not counted in ClinVar's aggregate classification.

Dr. Peter K. Rogan Lab, Western University
No classification provided (evidence only). Condition: Malignant tumor of esophagus. Review status: no classification provided. Collection method: in vitro. Allele origin: not applicable. Functional consequence: retained intron. Not counted in ClinVar's aggregate classification.

Genome Diagnostics Laboratory, Amsterdam University Medical Center
Classification: Benign. Review status: no assertion criteria provided. Collection method: clinical testing. Allele origin: germline. Affected: yes. Study: VKGL Data-share Consensus. Not counted in ClinVar's aggregate classification.